The following is an entry in ClinVar:

NM_024649.5(BBS1):c.551C>T (p.Ala184Val)

Gene: BBS1 (Bardet-Biedl syndrome 1; plus strand). Cytogenetic location: 11q13.2.
Variant type: single nucleotide variant.
Coding change: c.551C>T on transcript NM_024649.5 (MANE Select); coding-DNA position 551, C replaced by T.
Protein change: p.Ala184Val; replaces alanine 184 with valine.
Molecular consequence: missense variant.
Genome position (GRCh38, 1-based): chr11:66,515,893, C>T. VCF-style: chr11-66515893-C-T. GRCh37 (hg19) VCF-style: chr11-66283364-C-T.
Other names: c.551C>T (NM_024649.4); short protein forms A184V.
Identifiers: ClinVar variation 1436342 (VCV001436342.8), dbSNP rs372673129, ClinGen allele CA6123400.
Genomic context (GRCh38, chr11:66,515,893, plus strand): 5'-TGCAGATGCCAGTTCTCTGTGTGTCTAGGTTTCTGCAGCTGGAGCTAAGTGAAATGGAGG[C>T]ATTTGTAAACCAACACAAGTCCAACTCCATCAAGCGGCAGGTAATACCCCCTTCTCTTTT-3'
Protein context (NP_078925.3, residues 174-194): FLQLELSEME[Ala184Val]FVNQHKSNSI

ClinVar aggregate classification (germline): Uncertain significance. Review status: criteria provided, multiple submitters, no conflicts (2 of 4 stars). 3 submissions from 3 submitters: Uncertain significance (3). Last evaluated 2024-11-01.

Conditions:
Inborn genetic diseases. Identifiers: MedGen C0950123, MeSH D030342.
BBS1-related disorder. Also called: BBS1-related condition.
Bardet-Biedl syndrome (BBS). Identifiers: Orphanet 110, MedGen C0752166, MONDO:0015229.

Allele frequency attached by ClinVar (database versions not stated): gnomAD exomes below 0.00001 and 0.00001; ExAC 0.00002; TOPMed 0.00003; gnomAD 0.00005; ESP Exome Variant Server 0.00008.

Submissions (3):

PreventionGenetics, part of Exact Sciences
Classification: Uncertain significance for BBS1-related condition. Last evaluated: 2024-11-01. Review status: criteria provided, single submitter. Criteria: ACMG Guidelines, 2015. Collection method: clinical testing. Allele origin: germline.
Comment: The BBS1 c.551C>T variant is predicted to result in the amino acid substitution p.Ala184Val. To our knowledge, this variant has not been reported in the literature. This variant is reported in 0.020% of alleles in individuals of African descent in gnomAD. At this time, the clinical significance of this variant is uncertain due to the absence of conclusive functional and genetic evidence.

Ambry Genetics
Classification: Uncertain significance for Inborn genetic diseases. Last evaluated: 2024-10-21. Review status: criteria provided, single submitter. Criteria: Ambry Variant Classification Scheme 2023. Collection method: clinical testing. Allele origin: germline.

Labcorp Genetics (formerly Invitae), Labcorp
Classification: Uncertain significance for Bardet-Biedl syndrome. Last evaluated: 2024-02-17. Review status: criteria provided, single submitter. Criteria: Invitae Variant Classification Sherloc (09022015). Collection method: clinical testing. Allele origin: germline.
Comment: This sequence change replaces alanine, which is neutral and non-polar, with valine, which is neutral and non-polar, at codon 184 of the BBS1 protein (p.Ala184Val). This variant is present in population databases (rs372673129, gnomAD 0.02%). This variant has not been reported in the literature in individuals affected with BBS1-related conditions. ClinVar contains an entry for this variant (Variation ID: 1436342). Advanced modeling of protein sequence and biophysical properties (such as structural, functional, and spatial information, amino acid conservation, physicochemical variation, residue mobility, and thermodynamic stability) performed at Invitae indicates that this missense variant is not expected to disrupt BBS1 protein function with a negative predictive value of 80%. In summary, the available evidence is currently insufficient to determine the role of this variant in disease. Therefore, it has been classified as a Variant of Uncertain Significance.